The following is an entry in ClinVar:

NM_177438.3(DICER1):c.2230A>C (p.Lys744Gln)

Gene: DICER1 (dicer 1, ribonuclease III; minus strand). Cytogenetic location: 14q32.13.
Variant type: single nucleotide variant.
Coding change: c.2230A>C on transcript NM_177438.3 (MANE Select); coding-DNA position 2230, A replaced by C.
Protein change: p.Lys744Gln; replaces lysine 744 with glutamine.
Molecular consequence: missense variant.
Genome position (GRCh38, 1-based): chr14:95,111,343, T>G on the plus strand (A>C on the coding strand, the complement: DICER1 is on the minus strand). VCF-style: chr14-95111343-T-G. GRCh37 (hg19) VCF-style: chr14-95577680-T-G.
Other names: c.2230A>C, p.Lys744Gln (NM_001195573.1, NM_001271282.3, NM_001291628.2 and 1 more transcripts); short protein forms K744Q.
Identifiers: ClinVar variation 820910 (VCV000820910.5), dbSNP rs1595391019, ClinGen allele CA390882534.

ClinVar aggregate classification (germline): Uncertain significance (1 of 4 stars; one submission).

Conditions:
Hereditary cancer-predisposing syndrome. Also called: Neoplastic Syndromes, Hereditary; Tumor predisposition; Hereditary Cancer Syndrome; Hereditary neoplastic syndrome. Identifiers: Orphanet 140162, MedGen C0027672, MeSH D009386, MONDO:0015356.

Submission:

Ambry Genetics
Classification: Uncertain significance for Hereditary cancer-predisposing syndrome. Last evaluated: 2024-08-28. Review status: criteria provided, single submitter. Criteria: Ambry Variant Classification Scheme 2023. Collection method: clinical testing. Allele origin: germline.
Comment: The p.K744Q variant (also known as c.2230A>C), located in coding exon 13 of the DICER1 gene, results from an A to C substitution at nucleotide position 2230. The lysine at codon 744 is replaced by glutamine, an amino acid with similar properties. This amino acid position is highly conserved in available vertebrate species. In addition, the in silico prediction for this alteration is inconclusive. Based on the available evidence, the clinical significance of this variant remains unclear.